The following is an entry in ClinVar:

ClinVar aggregate classification (germline): Benign/Likely benign. Review status: criteria provided, multiple submitters, no conflicts (2 of 4 stars). 4 submissions from 4 submitters: Benign (3); Likely benign (1). Last evaluated 2026-02-01.

Conditions:
Congenital contractural arachnodactyly (CCA). Also called: BEALS SYNDROME; Beals-Hecht syndrome; Arthrogryposis, distal, type 9. Identifiers: Orphanet 115, MedGen C0220668, MONDO:0007363, OMIM 121050.
Familial thoracic aortic aneurysm and aortic dissection (TAAD). Also called: Thoracic aortic aneurysms and dissections. Identifiers: Orphanet 91387, MedGen C4707243, MONDO:0019625.

Allele frequency attached by ClinVar (database versions not stated): gnomAD exomes 0.00006 and 0.00014; ExAC 0.00015; ESP Exome Variant Server 0.00054; gnomAD 0.00059 and 0.00061; TOPMed 0.00064; 1000 Genomes Project 0.00140; 1000 Genomes Project 30x 0.00203.
gnomAD v4.1: 171 of 1,613,410 alleles (0.011%); highest among the groups gnomAD compares: African/African-American, 0.21%; no homozygotes.

Submissions (4):

Labcorp Genetics (formerly Invitae), Labcorp
Classification: Benign for Congenital contractural arachnodactyly. Last evaluated: 2026-02-01. Review status: criteria provided, single submitter. Criteria: Invitae Variant Classification Sherloc (09022015). Collection method: clinical testing. Allele origin: germline.

Blueprint Genetics
Classification: Benign. Last evaluated: 2022-05-04. Review status: criteria provided, single submitter. Criteria: ACMG Guidelines, 2015. Collection method: clinical testing. Allele origin: germline.

Ambry Genetics
Classification: Likely benign for Familial thoracic aortic aneurysm and aortic dissection. Last evaluated: 2017-09-30. Review status: criteria provided, single submitter. Criteria: Ambry Variant Classification Scheme 2023. Collection method: clinical testing. Allele origin: germline.

GeneDx
Classification: Benign. Last evaluated: 2014-11-14. Review status: criteria provided, single submitter. Criteria: GeneDx Variant Classification (06012015). Collection method: clinical testing. Allele origin: germline. Affected: yes.
Comment: This variant is considered likely benign or benign based on one or more of the following criteria: it is a conservative change, it occurs at a poorly conserved position in the protein, it is predicted to be benign by multiple in silico algorithms, and/or has population frequency not consistent with disease.

NM_001999.4(FBN2):c.1749G>A (p.Gly583=)

Gene: FBN2 (fibrillin 2; minus strand). Cytogenetic location: 5q23.3.
Variant type: single nucleotide variant.
Coding change: c.1749G>A on transcript NM_001999.4 (MANE Select); coding-DNA position 1749, G replaced by A.
Protein change: p.Gly583=; no amino-acid change (glycine 583 retained).
Molecular consequence: synonymous variant.
Genome position (GRCh38, 1-based): chr5:128,377,852, C>T on the plus strand (G>A on the coding strand, the complement: FBN2 is on the minus strand). VCF-style: chr5-128377852-C-T. GRCh37 (hg19) VCF-style: chr5-127713545-C-T.
Identifiers: ClinVar variation 213222 (VCV000213222.14), dbSNP rs75940000, ClinGen allele CA320147.